The following is an entry in ClinVar:

ClinVar aggregate classification (germline): Uncertain significance (1 of 4 stars; one submission).

Conditions:
Kabuki syndrome. Also called: Kabuki make-up syndrome; NIIKAWA-KUROKI SYNDROME. Identifiers: Orphanet 2322, MedGen C0796004, MONDO:0016512.

Submission:

Labcorp Genetics (formerly Invitae), Labcorp
Classification: Uncertain significance for Kabuki syndrome. Last evaluated: 2025-06-12. Review status: criteria provided, single submitter. Criteria: Invitae Variant Classification Sherloc (09022015). Collection method: clinical testing. Allele origin: germline.
Comment: This sequence change replaces isoleucine, which is neutral and non-polar, with methionine, which is neutral and non-polar, at codon 2124 of the KMT2D protein (p.Ile2124Met). This variant is not present in population databases (gnomAD no frequency). This variant has not been reported in the literature in individuals affected with KMT2D-related conditions. ClinVar contains an entry for this variant (Variation ID: 2098598). Invitae Evidence Modeling of protein sequence and biophysical properties (such as structural, functional, and spatial information, amino acid conservation, physicochemical variation, residue mobility, and thermodynamic stability) indicates that this missense variant is not expected to disrupt KMT2D protein function with a negative predictive value of 95%. In summary, the available evidence is currently insufficient to determine the role of this variant in disease. Therefore, it has been classified as a Variant of Uncertain Significance.

NM_003482.4(KMT2D):c.6372T>G (p.Ile2124Met)

Gene: KMT2D (lysine methyltransferase 2D; minus strand). Cytogenetic location: 12q13.12.
Variant type: single nucleotide variant.
Coding change: c.6372T>G on transcript NM_003482.4 (MANE Select); coding-DNA position 6372, T replaced by G.
Protein change: p.Ile2124Met; replaces isoleucine 2124 with methionine.
Molecular consequence: missense variant.
Genome position (GRCh38, 1-based): chr12:49,041,398, A>C on the plus strand (T>G on the coding strand, the complement: KMT2D is on the minus strand). VCF-style: chr12-49041398-A-C. GRCh37 (hg19) VCF-style: chr12-49435181-A-C.
Other names: short protein forms I2124M.
Identifiers: ClinVar variation 2098598 (VCV002098598.4), dbSNP rs2120546408, ClinGen allele CA384751132.